The following is an entry in ClinVar:

ClinVar aggregate classification (germline): Uncertain significance (1 of 4 stars; one submission).

Conditions:
Progressive myoclonic epilepsy type 5. Identifiers: Orphanet 402082, MedGen C5190799.

Allele frequency attached by ClinVar (database versions not stated): gnomAD exomes below 0.00001; gnomAD 0.00001.
gnomAD v4.1: 4 of 1,614,226 alleles (0.00025%); highest among the groups gnomAD compares: Admixed American, 0.0017%; no homozygotes.

Submission:

Labcorp Genetics (formerly Invitae), Labcorp
Classification: Uncertain significance for Progressive myoclonic epilepsy type 5. Last evaluated: 2019-08-23. Review status: criteria provided, single submitter. Criteria: Invitae Variant Classification Sherloc (09022015). Collection method: clinical testing. Allele origin: germline.
Comment: In summary, the available evidence is currently insufficient to determine the role of this variant in disease. Therefore, it has been classified as a Variant of Uncertain Significance. Algorithms developed to predict the effect of missense changes on protein structure and function are either unavailable or do not agree on the potential impact of this missense change (SIFT: "Deleterious"; PolyPhen-2: "Benign"; Align-GVGD: "Class C0"). This variant has not been reported in the literature in individuals with PRICKLE2-related conditions. This variant is not present in population databases (ExAC no frequency). This sequence change replaces aspartic acid with asparagine at codon 368 of the PRICKLE2 protein (p.Asp368Asn). The aspartic acid residue is highly conserved and there is a small physicochemical difference between aspartic acid and asparagine.

NM_198859.4(PRICKLE2):c.1102G>A (p.Asp368Asn)

Gene: PRICKLE2 (prickle planar cell polarity protein 2; minus strand). Cytogenetic location: 3p14.1.
Variant type: single nucleotide variant.
Coding change: c.1102G>A on transcript NM_198859.4 (MANE Select); coding-DNA position 1102, G replaced by A.
Protein change: p.Asp368Asn; replaces aspartic acid 368 with asparagine.
Molecular consequence: missense variant.
Genome position (GRCh38, 1-based): chr3:64,147,388, C>T on the plus strand (G>A on the coding strand, the complement: PRICKLE2 is on the minus strand). VCF-style: chr3-64147388-C-T. GRCh37 (hg19) VCF-style: chr3-64133064-C-T.
Other names: c.1102G>A, p.Asp368Asn (NM_001370528.1); short protein forms D368N.
Identifiers: ClinVar variation 940699 (VCV000940699.7), dbSNP rs544405738, ClinGen allele CA75727862.
Genomic context (GRCh38, chr3:64,147,388, plus strand): 5'-GGCTGGGTGTCTGGCTGGACAGGCTGAGCATGTCCATCTGCAGTGACAGGGGGTCTACGT[C>T]GGCTGACAGCCGGTTAGAACTCACTTGCAGCTGGCTGTGCTGGTTCAGCATGGGCTCCTC-3'
Protein context (NP_942559.1, residues 358-378): LQVSSNRLSA[Asp368Asn]VDPLSLQMDM